The following is an entry in ClinVar:

ClinVar aggregate classification (germline): Likely benign (0 of 4 stars; one submission).

Conditions:
ISM1-related disorder. Also called: ISM1-related condition.

Allele frequency attached by ClinVar (database versions not stated): ESP Exome Variant Server 0.00016; gnomAD 0.00019; ExAC 0.00074; 1000 Genomes Project 30x 0.00078; 1000 Genomes Project 0.00080.
gnomAD v4.1: 644 of 1,611,582 alleles (0.04%); highest among the groups gnomAD compares: South Asian, 0.53%; 17 homozygotes.

Submission:

PreventionGenetics, part of Exact Sciences
Classification: Likely benign for ISM1-related condition. Last evaluated: 2019-02-18. Review status: no assertion criteria provided. Collection method: clinical testing. Allele origin: germline.
Comment: This variant is classified as likely benign based on ACMG/AMP sequence variant interpretation guidelines (Richards et al. 2015 PMID: 25741868, with internal and published modifications).

NM_080826.2(ISM1):c.878-10C>A

Genes: ISM1 (isthmin 1; plus strand), TASP1 (taspase 1; minus strand). Cytogenetic location: 20p12.1.
Variant type: single nucleotide variant.
Coding change: c.878-10C>A on transcript NM_080826.2 (MANE Select); 10 bases into the intron before coding-DNA position 878, C replaced by A.
Molecular consequence: intron variant.
Genome position (GRCh38, 1-based): chr20:13,298,932, C>A. VCF-style: chr20-13298932-C-A. GRCh37 (hg19) VCF-style: chr20-13279579-C-A.
Identifiers: ClinVar variation 3047599 (VCV003047599.2), dbSNP rs371226530, ClinGen allele CA9766358.
Genomic context (GRCh38, chr20:13,298,932, plus strand): 5'-TGCTCCTTGAAGCACCTCCTGTGGGCCGGTTGTACACGCGGTGAGAGGGTTTCTCTTTGG[C>A]CTTTTCCAGACACAGACAGCTGTGAGCGCTGGATGAGCTGCAAAAGCGAGTTCTTAAAGA-3'